The following is an entry in ClinVar:

NM_000179.3(MSH6):c.305del (p.Gly102fs)

Gene: MSH6 (mutS homolog 6; plus strand). Cytogenetic location: 2p16.3.
Variant type: Deletion.
Coding change: c.305del on transcript NM_000179.3 (MANE Select); coding-DNA position 305, one base deleted (G; older notation c.305delG).
Protein change: p.Gly102fs; shifts the reading frame from glycine 102.
Molecular consequence: frameshift variant. On other transcripts: 5 prime UTR variant (7), non-coding transcript variant (5), splice donor variant (1), intron variant (5).
Genome position (GRCh38, 1-based): chr2:47,790,971, G deleted; the last of 3 consecutive G bases (chr2:47,790,969-47,790,971); deleting any one gives the same sequence. VCF-style (leftmost placement, unchanged base first): chr2-47790968-AG-A. GRCh37 (hg19) VCF-style: chr2-48018107-AG-A.
Other names: c.-432del (NM_001281493.2, NM_001406811.1, NM_001406823.1 and 1 more transcripts); c.-598del (NM_001281494.2); c.401del, p.Gly134fs (NM_001406795.1, NM_001406802.1); c.305del, p.Gly102fs (NM_001406796.1, NM_001406798.1, NM_001406800.1 and 6 more transcripts); c.8del, p.Gly3fs (NM_001406797.1, NM_001406801.1, NM_001406805.1 and 10 more transcripts); c.227del, p.Gly76fs (NM_001406804.1); c.-624del (NM_001406807.1); c.-690del (NM_001406814.1); and 6 more; short protein forms G102fs, G134fs, G3fs, G46fs, G76fs.
Identifiers: ClinVar variation 3602785 (VCV003602785.2).
Genomic context (GRCh38, chr2:47,790,968, plus strand): 5'-TATTTCCTTTTGGCAACAGTTGTGACTTCTCACCAGGAGATTTGGTTTGGGCCAAGATGG[AG>A]GGTTACCCCTGGTGGCCTTGTCTGGTTTACAACCACCCCTTTGATGGAACATTCATCCGC-3'

ClinVar aggregate classification (germline): Likely pathogenic (1 of 4 stars; one submission).

Conditions:
Lynch syndrome. Identifiers: Orphanet 144, MedGen C4552100, MONDO:0005835. Disease mechanism: loss of function.

Submission:

Department of Clinical Genetics, Copenhagen University Hospital, Rigshospitalet
Classification: Likely pathogenic for Lynch syndrome. Last evaluated: 2025-02-04. Review status: criteria provided, single submitter. Criteria: ACMG Guidelines, 2015. Collection method: clinical testing. Allele origin: germline.
Comment: PVS1; PM2_SUP